The following is an entry in ClinVar:

ClinVar aggregate classification (germline): Uncertain significance. Review status: criteria provided, multiple submitters, no conflicts (2 of 4 stars). 2 submissions from 2 submitters: Uncertain significance (2). Last evaluated 2026-01-11.

Conditions:
Dilated cardiomyopathy 1W (CMD1W). Identifiers: Orphanet 154, MedGen C1969639, MONDO:0012667, OMIM 611407.
Hypertrophic cardiomyopathy 15. Identifiers: MedGen C2750459, MONDO:0013200, OMIM 613255.

Allele frequency attached by ClinVar (database versions not stated): gnomAD exomes 0.00001; TOPMed 0.00001.
gnomAD v4.1: 19 of 1,614,132 alleles (0.0012%); highest among the groups gnomAD compares: Non-Finnish European, 0.0016%; no homozygotes.

Submissions (2):

Labcorp Genetics (formerly Invitae), Labcorp
Classification: Uncertain significance for Dilated cardiomyopathy 1W. Last evaluated: 2026-01-11. Review status: criteria provided, single submitter. Criteria: Invitae Variant Classification Sherloc (09022015). Collection method: clinical testing. Allele origin: germline.
Comment: This sequence change replaces proline, which is neutral and non-polar, with leucine, which is neutral and non-polar, at codon 486 of the VCL protein (p.Pro486Leu). This variant is not present in population databases (gnomAD no frequency). This variant has not been reported in the literature in individuals affected with VCL-related conditions. ClinVar contains an entry for this variant (Variation ID: 853198). An algorithm developed to predict the effect of missense changes on protein structure and function (PolyPhen-2) suggests that this variant is likely to be disruptive. In summary, the available evidence is currently insufficient to determine the role of this variant in disease. Therefore, it has been classified as a Variant of Uncertain Significance.

Fulgent Genetics
Classification: Uncertain significance for Dilated cardiomyopathy 1W; Hypertrophic cardiomyopathy 15. Last evaluated: 2021-07-19. Review status: criteria provided, single submitter. Criteria: ACMG Guidelines, 2015. Collection method: clinical testing. Allele origin: unknown.

NM_014000.3(VCL):c.1457C>T (p.Pro486Leu)

Gene: VCL (vinculin; plus strand). Cytogenetic location: 10q22.2.
Variant type: single nucleotide variant.
Coding change: c.1457C>T on transcript NM_014000.3 (MANE Select); coding-DNA position 1457, C replaced by T.
Protein change: p.Pro486Leu; replaces proline 486 with leucine.
Molecular consequence: missense variant.
Genome position (GRCh38, 1-based): chr10:74,094,375, C>T. VCF-style: chr10-74094375-C-T. GRCh37 (hg19) VCF-style: chr10-75854133-C-T.
Other names: c.1457C>T, p.Pro486Leu (NM_003373.4); short protein forms P486L.
Identifiers: ClinVar variation 853198 (VCV000853198.10), dbSNP rs1251509217, ClinGen allele CA377273854.
Genomic context (GRCh38, chr10:74,094,375, plus strand): 5'-TGGCCACGGCCCTGCAGAACCTGCAGACCAAAACCAACCGGGCTGTGGCCAACAGCAGAC[C>T]GGCCAAAGCAGCTGTACACCTTGAGGGCAAGATTGAGCAAGCACAGCGGTGGATTGATAA-3'
Protein context (NP_054706.1, residues 476-496): KTNRAVANSR[Pro486Leu]AKAAVHLEGK